The following is an entry in ClinVar:

NM_012281.3(KCND2):c.997A>G (p.Met333Val)

Gene: KCND2 (potassium voltage-gated channel subfamily D member 2; plus strand). Cytogenetic location: 7q31.31.
Variant type: single nucleotide variant.
Coding change: c.997A>G on transcript NM_012281.3 (MANE Select); coding-DNA position 997, A replaced by G.
Protein change: p.Met333Val; replaces methionine 333 with valine.
Molecular consequence: missense variant.
Genome position (GRCh38, 1-based): chr7:120,275,629, A>G. VCF-style: chr7-120275629-A-G. GRCh37 (hg19) VCF-style: chr7-119915683-A-G.
Other names: short protein forms M333V.
Identifiers: ClinVar variation 1299437 (VCV001299437.9), dbSNP rs1160998885, ClinGen allele CA369132850.

ClinVar aggregate classification (germline): Uncertain significance. Review status: criteria provided, multiple submitters, no conflicts (2 of 4 stars). 2 submissions from 2 submitters: Uncertain significance (2). Last evaluated 2022-08-02.

Conditions:
Early Myoclonic Encephalopathy. Identifiers: MedGen C0270855.

Submissions (2):

Labcorp Genetics (formerly Invitae), Labcorp
Classification: Uncertain significance for Early Myoclonic Encephalopathy. Last evaluated: 2022-08-02. Review status: criteria provided, single submitter. Criteria: Invitae Variant Classification Sherloc (09022015). Collection method: clinical testing. Allele origin: germline.
Comment: This variant has not been reported in the literature in individuals affected with KCND2-related conditions. ClinVar contains an entry for this variant (Variation ID: 1299437). Advanced modeling of protein sequence and biophysical properties (such as structural, functional, and spatial information, amino acid conservation, physicochemical variation, residue mobility, and thermodynamic stability) performed at Invitae indicates that this missense variant is not expected to disrupt KCND2 protein function. In summary, the available evidence is currently insufficient to determine the role of this variant in disease. Therefore, it has been classified as a Variant of Uncertain Significance. This sequence change replaces methionine, which is neutral and non-polar, with valine, which is neutral and non-polar, at codon 333 of the KCND2 protein (p.Met333Val). This variant is not present in population databases (gnomAD no frequency).

Illumina Laboratory Services, Illumina
Classification: Uncertain significance. Last evaluated: 2020-02-28. Review status: criteria provided, single submitter. Criteria: ICSLVariantClassificationCriteria RUGD 01 April 2020. Collection method: clinical testing. Allele origin: unknown.
Comment: The KCND2 c.997A>G (p.Met333Val) variant is a missense variant. A literature search was performed for the gene, cDNA change, and amino acid change. No publications were identified through this search. This variant is not found in the Genome Aggregation Database despite its location a region of good sequencing coverage, which suggests the variant is rare is rare. This is located in the S6 helical transmembrane domain of the protein. Based on the available evidence, the p.Met333Val variant is classified as a variant of uncertain significance.